The following is an entry in ClinVar:

ClinVar aggregate classification (germline): Uncertain significance. Review status: criteria provided, multiple submitters, no conflicts (2 of 4 stars). 3 submissions from 3 submitters: Uncertain significance (3). Last evaluated 2024-10-29.

Conditions:
Congenital stationary night blindness 1E. Also called: Night blindness, congenital stationary (complete), 1E, autosomal recessive. Identifiers: Orphanet 215, MedGen C3281215, MONDO:0013807, OMIM 614565.
Inborn genetic diseases. Identifiers: MedGen C0950123, MeSH D030342.

Allele frequency attached by ClinVar (database versions not stated): ExAC 0.00002; gnomAD exomes 0.00002 and 0.00010; TOPMed 0.00006; ESP Exome Variant Server 0.00008; gnomAD 0.00009.

Submissions (3):

Labcorp Genetics (formerly Invitae), Labcorp
Classification: Uncertain significance. Last evaluated: 2024-10-29. Review status: criteria provided, single submitter. Criteria: Invitae Variant Classification Sherloc (09022015). Collection method: clinical testing. Allele origin: germline.
Comment: This sequence change replaces methionine, which is neutral and non-polar, with isoleucine, which is neutral and non-polar, at codon 1794 of the GPR179 protein (p.Met1794Ile). This variant is present in population databases (rs199726938, gnomAD 0.004%). This variant has not been reported in the literature in individuals affected with GPR179-related conditions. ClinVar contains an entry for this variant (Variation ID: 890941). An algorithm developed to predict the effect of missense changes on protein structure and function (PolyPhen-2) suggests that this variant¬†is likely to be tolerated. In summary, the available evidence is currently insufficient to determine the role of this variant in disease. Therefore, it has been classified as a Variant of Uncertain Significance.

Ambry Genetics
Classification: Uncertain significance for Inborn genetic diseases. Last evaluated: 2024-05-23. Review status: criteria provided, single submitter. Criteria: Ambry Variant Classification Scheme 2023. Collection method: clinical testing. Allele origin: germline.

Illumina Laboratory Services, Illumina
Classification: Uncertain significance for Congenital stationary night blindness 1E. Last evaluated: 2018-01-13. Review status: criteria provided, single submitter. Criteria: ICSL Variant Classification Criteria 13 December 2019. Collection method: clinical testing. Allele origin: germline.

NM_001004334.4(GPR179):c.5382G>A (p.Met1794Ile)

Gene: GPR179 (G protein-coupled receptor 179; minus strand). Cytogenetic location: 17q12.
Variant type: single nucleotide variant.
Coding change: c.5382G>A on transcript NM_001004334.4 (MANE Select); coding-DNA position 5382, G replaced by A.
Protein change: p.Met1794Ile; replaces methionine 1794 with isoleucine.
Molecular consequence: missense variant.
Genome position (GRCh38, 1-based): chr17:38,328,187, C>T on the plus strand (G>A on the coding strand, the complement: GPR179 is on the minus strand). VCF-style: chr17-38328187-C-T. GRCh37 (hg19) VCF-style: chr17-36484070-C-T.
Other names: short protein forms M1794I.
Identifiers: ClinVar variation 890941 (VCV000890941.10), dbSNP rs199726938, ClinGen allele CA290103600.
Genomic context (GRCh38, chr17:38,328,187, plus strand): 5'-TTTTTCACTGGTAGCAGCTTCCTGTGCTTCCCAGGGACACACTTCACCTGGCCTGCAGCC[C>T]ATATGATCCAGTTCCTGGAACCCAGCTTTTGGTCCATCAGCATCTAGAGTACCTGGATGC-3'
Protein context (NP_001004334.3, residues 1784-1804): PKAGFQELDH[Met1794Ile]GCRPGEVCPW